The following is an entry in ClinVar:

NM_000051.4(ATM):c.8098A>T (p.Lys2700Ter)

Genes: ATM (ATM serine/threonine kinase; plus strand), C11orf65 (chromosome 11 open reading frame 65; minus strand). Cytogenetic location: 11q22.3.
Variant type: single nucleotide variant.
Coding change: c.8098A>T on transcript NM_000051.4 (MANE Select); coding-DNA position 8098, A replaced by T.
Protein change: p.Lys2700Ter; replaces lysine 2700 with a stop codon.
Molecular consequence: nonsense. On other transcripts: intron variant (2).
Genome position (GRCh38, 1-based): chr11:108,335,056, A>T. VCF-style: chr11-108335056-A-T. GRCh37 (hg19) VCF-style: chr11-108205783-A-T.
Other names: c.8098A>T, p.Lys2700Ter (NM_001351834.2); c.641-25985T>A (NM_001330368.2); c.*38+164T>A (NM_001351110.2); short protein forms K2700*.
Identifiers: ClinVar variation 371131 (VCV000371131.23), dbSNP rs758588019, ClinGen allele CA16041429.

ClinVar aggregate classification (germline): Pathogenic. Review status: criteria provided, multiple submitters, no conflicts (2 of 4 stars). 8 submissions from 8 submitters: Pathogenic (7). 1 of the submissions does not count toward it. Last evaluated 2025-10-01.

Conditions:
Hereditary cancer-predisposing syndrome. Also called: Neoplastic Syndromes, Hereditary; Hereditary neoplastic syndrome; Hereditary Cancer Syndrome; Tumor predisposition. Identifiers: Orphanet 140162, MedGen C0027672, MeSH D009386, MONDO:0015356.
Familial cancer of breast. Also called: hereditary breast carcinoma; Hereditary breast cancer; BREAST CANCER, FAMILIAL. Identifiers: Orphanet 227535, MedGen C0346153, MONDO:0016419, OMIM 114480. Disease mechanism: loss of function.
Inherited breast cancer and ovarian cancer.
Ataxia-telangiectasia syndrome (AT). Also called: Ataxia-telangiectasia, complementation group D; Ataxia-telangiectasia, complementation group E; LOUIS-BAR SYNDROME; AT, COMPLEMENTATION GROUP C; ATAXIA-TELANGIECTASIA, COMPLEMENTATION GROUP A; ATAXIA-TELANGIECTASIA, FRESNO VARIANT. Identifiers: Orphanet 100, MedGen C0004135, MONDO:0008840, OMIM 208900.

gnomAD v4.1: 10 of 1,614,130 alleles (0.00062%); highest among the groups gnomAD compares: Non-Finnish European, 0.00085%; no homozygotes.

Submissions (8):

Labcorp Genetics (formerly Invitae), Labcorp
Classification: Pathogenic for Ataxia-telangiectasia syndrome. Last evaluated: 2025-10-01. Review status: criteria provided, single submitter. Criteria: Invitae Variant Classification Sherloc (09022015). Collection method: clinical testing. Allele origin: germline.
Comment: This sequence change creates a premature translational stop signal (p.Lys2700*) in the ATM gene. It is expected to result in an absent or disrupted protein product. Loss-of-function variants in ATM are known to be pathogenic (PMID: 23807571, 25614872). This variant is not present in population databases (gnomAD no frequency). This premature translational stop signal has been observed in individual(s) with ataxia-telangiectasia (PMID: 21792198, 22649200). ClinVar contains an entry for this variant (Variation ID: 371131). For these reasons, this variant has been classified as Pathogenic.

Genomics and Molecular Medicine Service, East Genomic Laboratory Hub, NHS Genomic Medicine Service
Classification: Pathogenic for Inherited breast cancer and ovarian cancer. Last evaluated: 2024-09-25. Review status: criteria provided, single submitter. Criteria: ACGS Best Practice Guidelines for Variant Classification in Rare Disease 2020. Collection method: clinical testing. Allele origin: germline. Affected: yes.
Comment: PVS1,PM2_Supporting,PM5_Supporting

Ambry Genetics
Classification: Pathogenic for Hereditary cancer-predisposing syndrome. Last evaluated: 2024-05-01. Review status: criteria provided, single submitter. Criteria: Ambry Variant Classification Scheme 2023. Collection method: clinical testing. Allele origin: germline.
Comment: The p.K2700* variant (also known as c.8098A>T), located in coding exon 54 of the ATM gene, results from an A to T substitution at nucleotide position 8098. This changes the amino acid from a lysine to a stop codon within coding exon 54. This alteration has been identified in multiple individuals diagnosed with ataxia telangiectasia (Stankovic T et al. Am J Hum Genet, 1998 Feb;62:334-45; Exley AR et al. Clin Immunol, 2011 Jul;140:26-36; Carney EF et al. J Immunol, 2012 Jul;189:261-8). Additionally, this alteration has been identified in individuals diagnosed with breast or prostate cancer (Annala M et al. Eur Urol, 2017 07;72:34-42; Hauke J et al. Cancer Med, 2018 04;7:1349-1358; Yadav S et al. J Clin Oncol, 2020 May;38:1409-1418). In addition to the clinical data presented in the literature, this alteration is expected to result in loss of function by premature protein truncation or nonsense-mediated mRNA decay. As such, this alteration is interpreted as a disease-causing mutation.

Myriad Genetics, Inc.
Classification: Pathogenic for Familial cancer of breast. Last evaluated: 2024-02-01. Review status: criteria provided, single submitter. Criteria: Myriad Autosomal Dominant, Autosomal Recessive and X-Linked Classification Criteria (2023). Collection method: clinical testing. Allele origin: unknown.
Comment: This variant is considered pathogenic. This variant creates a termination codon and is predicted to result in premature protein truncation.

Baylor Genetics
Classification: Pathogenic for Familial cancer of breast. Last evaluated: 2023-08-05. Review status: criteria provided, single submitter. Criteria: ACMG Guidelines, 2015. Collection method: clinical testing. Allele origin: unknown.

Color Diagnostics, LLC DBA Color Health
Classification: Pathogenic for Hereditary cancer-predisposing syndrome. Last evaluated: 2022-02-07. Review status: criteria provided, single submitter. Criteria: ACMG Guidelines, 2015. Collection method: clinical testing. Allele origin: germline.
Comment: This variant changes 1 nucleotide in exon 55 of the ATM gene, creating a premature translation stop signal. This variant is expected to result in an absent or non-functional protein product. This variant has been reported in an individual affected with ataxia-telangiectasia (PMID: 21459046). Lymphoblastoid cells derived from this individual were reported to have no kinase activity (PMID: 21459046). This variant has not been identified in the general population by the Genome Aggregation Database (gnomAD). Loss of ATM function is a known mechanism of disease. Based on the available evidence, this variant is classified as Pathogenic.

Institute of Medical Genetics and Applied Genomics, University Hospital Tübingen
Classification: Pathogenic. Last evaluated: 2020-10-23. Review status: criteria provided, single submitter. Criteria: ACMG Guidelines, 2015. Collection method: clinical testing. Allele origin: germline. Inheritance: Autosomal unknown. Affected: yes.

Counsyl
Classification: Likely pathogenic for Ataxia-telangiectasia syndrome. Last evaluated: 2016-07-08. Review status: no assertion criteria provided. Collection method: clinical testing. Allele origin: unknown. Not counted in ClinVar's aggregate classification.

Literature cited by the submitters: PubMed 23807571 (cited by Labcorp Genetics (formerly Invitae), Labcorp); PubMed 25614872 (cited by Labcorp Genetics (formerly Invitae), Labcorp); PubMed 21792198 (cited by Labcorp Genetics (formerly Invitae), Labcorp and Counsyl); PubMed 22649200 (cited by 3 submitters); PubMed 21459046 (cited by Ambry Genetics and Color Diagnostics, LLC DBA Color Health); PubMed 28259476 (cited by Ambry Genetics); PubMed 29522266 (cited by Ambry Genetics); PubMed 32125938 (cited by Ambry Genetics); PubMed 9463314 (cited by Ambry Genetics and Counsyl); PubMed 25525159 (cited by Counsyl).